The following is an entry in ClinVar:

NM_000268.4(NF2):c.667G>A (p.Ala223Thr)

Gene: NF2 (NF2, moesin-ezrin-radixin like (MERLIN) tumor suppressor; plus strand). Cytogenetic location: 22q12.2.
Variant type: single nucleotide variant.
Coding change: c.667G>A on transcript NM_000268.4 (MANE Select); coding-DNA position 667, G replaced by A.
Protein change: p.Ala223Thr; replaces alanine 223 with threonine.
Molecular consequence: missense variant. On other transcripts: intron variant (1).
Genome position (GRCh38, 1-based): chr22:29,658,256, G>A. VCF-style: chr22-29658256-G-A. GRCh37 (hg19) VCF-style: chr22-30054245-G-A.
Other names: c.553G>A, p.Ala185Thr (NM_001407053.1, NM_001407056.1); c.544G>A, p.Ala182Thr (NM_001407054.1, NM_001407058.1, NM_001407062.1 and 1 more transcripts); c.541G>A, p.Ala181Thr (NM_001407055.1, NM_181828.3); c.667G>A, p.Ala223Thr (NM_001407057.1, NM_001407059.1, NM_001407060.1 and 4 more transcripts); c.418G>A, p.Ala140Thr (NM_001407063.1, NM_001407064.1, NM_181830.3 and 1 more transcripts); c.133G>A, p.Ala45Thr (NM_001407065.1); c.436G>A, p.Ala146Thr (NM_001407067.1); c.447+15971G>A (NM_181833.3); short protein forms A185T, A140T, A146T, A182T, A223T, A45T, A181T.
Identifiers: ClinVar variation 3919135 (VCV003919135.1).

ClinVar aggregate classification (germline): Uncertain significance (1 of 4 stars; one submission).

Conditions:
Hereditary cancer-predisposing syndrome. Also called: Hereditary Cancer Syndrome; Hereditary neoplastic syndrome; Neoplastic Syndromes, Hereditary; Tumor predisposition. Identifiers: Orphanet 140162, MedGen C0027672, MeSH D009386, MONDO:0015356.

Submission:

Ambry Genetics
Classification: Uncertain significance for Hereditary cancer-predisposing syndrome. Last evaluated: 2025-04-11. Review status: criteria provided, single submitter. Criteria: Ambry Variant Classification Scheme 2023. Collection method: clinical testing. Allele origin: germline.
Comment: The p.A223T variant (also known as c.667G>A), located in coding exon 7 of the NF2 gene, results from a G to A substitution at nucleotide position 667. The alanine at codon 223 is replaced by threonine, an amino acid with similar properties. This amino acid position is conserved. In addition, this alteration is predicted to be tolerated by in silico analysis. Based on the available evidence, the clinical significance of this variant remains unclear.